The following is an entry in ClinVar:

ClinVar aggregate classification (germline): Benign/Likely benign. Review status: criteria provided, multiple submitters, no conflicts (2 of 4 stars). 3 submissions from 3 submitters: Benign (1); Likely benign (2). Last evaluated 2025-02-21.

Conditions:
Hereditary cancer-predisposing syndrome. Also called: Hereditary Cancer Syndrome; Tumor predisposition; Hereditary neoplastic syndrome; Neoplastic Syndromes, Hereditary. Identifiers: Orphanet 140162, MedGen C0027672, MeSH D009386, MONDO:0015356.
Hereditary diffuse gastric adenocarcinoma (HDGC). Also called: DIFFUSE GASTRIC AND LOBULAR BREAST CANCER SYNDROME. Identifiers: Orphanet 26106, MedGen C1708349, MONDO:0007648, OMIM 137215.

gnomAD v4.1: 4 of 1,614,108 alleles (0.00025%); highest among the groups gnomAD compares: Non-Finnish European, 0.00025%; no homozygotes.

Submissions (3):

Ambry Genetics
Classification: Likely benign for Hereditary cancer-predisposing syndrome. Last evaluated: 2025-02-21. Review status: criteria provided, single submitter. Criteria: Ambry Variant Classification Scheme 2023. Collection method: clinical testing. Allele origin: germline.

Labcorp Genetics (formerly Invitae), Labcorp
Classification: Likely benign for Hereditary diffuse gastric adenocarcinoma. Last evaluated: 2024-11-05. Review status: criteria provided, single submitter. Criteria: Invitae Variant Classification Sherloc (09022015). Collection method: clinical testing. Allele origin: germline.

Myriad Genetics, Inc.
Classification: Benign for Hereditary diffuse gastric adenocarcinoma. Last evaluated: 2024-09-20. Review status: criteria provided, single submitter. Criteria: Myriad Autosomal Dominant, Autosomal Recessive and X-Linked Classification Criteria (2023). Collection method: clinical testing. Allele origin: unknown.
Comment: This variant is considered benign. This variant is a silent/synonymous amino acid change and it is not expected to impact splicing.

NM_004360.5(CDH1):c.1890A>G (p.Leu630=)

Gene: CDH1 (cadherin 1; plus strand). Cytogenetic location: 16q22.1.
Variant type: single nucleotide variant.
Coding change: c.1890A>G on transcript NM_004360.5 (MANE Select); coding-DNA position 1890, A replaced by G.
Protein change: p.Leu630=; no amino-acid change (leucine 630 retained).
Molecular consequence: synonymous variant. On other transcripts: 5 prime UTR variant (1).
Genome position (GRCh38, 1-based): chr16:68,822,179, A>G. VCF-style: chr16-68822179-A-G. GRCh37 (hg19) VCF-style: chr16-68856082-A-G.
Other names: c.1707A>G, p.Leu569= (NM_001317184.2); c.342A>G, p.Leu114= (NM_001317185.2); c.-76A>G (NM_001317186.2).
Identifiers: ClinVar variation 3379309 (VCV003379309.4).